The following is an entry in ClinVar:

ClinVar aggregate classification (germline): Uncertain significance. Review status: criteria provided, multiple submitters, no conflicts (2 of 4 stars). 2 submissions from 2 submitters: Uncertain significance (2). Last evaluated 2022-06-09.

Conditions:
Classic homocystinuria. Also called: Homocystinuria due to Cystathionine Beta-Synthase Deficiency; HOMOCYSTINURIA WITH OR WITHOUT RESPONSE TO PYRIDOXINE; Homocystinuria due to CBS deficiency; Cystathionine beta-synthase deficiency; CBS deficiency. Identifiers: Orphanet 394, MedGen C0751202, MONDO:0009352, OMIM 236200.
HYPERHOMOCYSTEINEMIA, THROMBOTIC, CBS-RELATED. Identifiers: MedGen C3150344, OMIM 236200.

Allele frequency attached by ClinVar (database versions not stated): gnomAD exomes 0.00001; ExAC 0.00002; gnomAD 0.00006.

Submissions (2):

Labcorp Genetics (formerly Invitae), Labcorp
Classification: Uncertain significance for HYPERHOMOCYSTEINEMIA, THROMBOTIC, CBS-RELATED. Last evaluated: 2022-06-09. Review status: criteria provided, single submitter. Criteria: Invitae Variant Classification Sherloc (09022015). Collection method: clinical testing. Allele origin: germline.
Comment: This sequence change replaces valine, which is neutral and non-polar, with methionine, which is neutral and non-polar, at codon 118 of the CBS protein (p.Val118Met). This variant is present in population databases (rs763385546, gnomAD 0.004%). This variant has not been reported in the literature in individuals affected with CBS-related conditions. ClinVar contains an entry for this variant (Variation ID: 340090). Algorithms developed to predict the effect of missense changes on protein structure and function are either unavailable or do not agree on the potential impact of this missense change (SIFT: "Deleterious"; PolyPhen-2: "Probably Damaging"; Align-GVGD: "Class C0"). In summary, the available evidence is currently insufficient to determine the role of this variant in disease. Therefore, it has been classified as a Variant of Uncertain Significance.

Illumina Laboratory Services, Illumina
Classification: Uncertain significance for Classic homocystinuria. Last evaluated: 2018-01-13. Review status: criteria provided, single submitter. Criteria: ICSL Variant Classification Criteria 13 December 2019. Collection method: clinical testing. Allele origin: germline.

NM_000071.3(CBS):c.352G>A (p.Val118Met)

Gene: CBS (cystathionine beta-synthase; minus strand). Cytogenetic location: 21q22.3.
Variant type: single nucleotide variant.
Coding change: c.352G>A on transcript NM_000071.3 (MANE Select); coding-DNA position 352, G replaced by A.
Protein change: p.Val118Met; replaces valine 118 with methionine.
Molecular consequence: missense variant.
Genome position (GRCh38, 1-based): chr21:43,066,342, C>T on the plus strand (G>A on the coding strand, the complement: CBS is on the minus strand). VCF-style: chr21-43066342-C-T. GRCh37 (hg19) VCF-style: chr21-44486452-C-T.
Other names: c.352G>A, p.Val118Met (NM_001178008.3, NM_001178009.3, NM_001320298.2); c.37G>A, p.Val13Met (NM_001321072.1); short protein forms V118M, V13M.
Identifiers: ClinVar variation 340090 (VCV000340090.6), dbSNP rs763385546, ClinGen allele CA10644745.